The following is an entry in ClinVar:

ClinVar aggregate classification (germline): Likely benign. Review status: criteria provided, multiple submitters, no conflicts (2 of 4 stars). 3 submissions from 3 submitters: Likely benign (2). 1 of the submissions does not count toward it. Last evaluated 2025-08-05.

Conditions:
INSR-related disorder.

Submissions (3):

Labcorp Genetics (formerly Invitae), Labcorp
Classification: Likely benign. Last evaluated: 2025-08-05. Review status: criteria provided, single submitter. Criteria: Invitae Variant Classification Sherloc (09022015). Collection method: clinical testing. Allele origin: germline.

Genetic Services Laboratory, University of Chicago
Classification: Likely benign. Last evaluated: 2018-12-18. Review status: criteria provided, single submitter. Criteria: ACMG Guidelines, 2015. Collection method: clinical testing. Allele origin: germline. Affected: no.

PreventionGenetics, part of Exact Sciences
Classification: Likely benign for INSR-related condition. Last evaluated: 2023-12-27. Review status: no assertion criteria provided. Collection method: clinical testing. Allele origin: germline. Not counted in ClinVar's aggregate classification.
Comment: This variant is classified as likely benign based on ACMG/AMP sequence variant interpretation guidelines (Richards et al. 2015 PMID: 25741868, with internal and published modifications).

NM_000208.4(INSR):c.653-23TC[13]

Gene: INSR (insulin receptor; minus strand). Cytogenetic location: 19p13.2.
Variant type: Microsatellite.
Coding change: c.653-23TC[13] on transcript NM_000208.4 (MANE Select); 13 copies in a row of the 2-base unit TC starting at c.653-23; the reference has ten copies in a row; three copies, 6 bases duplicated.
Molecular consequence: intron variant.
Genome position (GRCh38, 1-based): chr19:7,184,641-7,184,646, GAGAGA duplicated on the plus strand (TCTCTC on the coding strand, the reverse complement: INSR is on the minus strand); duplicating any 6 consecutive bases within chr19:7,184,641-7,184,661 gives the same sequence; the position shown is the placement nearest the transcript's 3' end. VCF-style (leftmost placement, unchanged base first): chr19-7184640-G-GGAGAGA. GRCh37 (hg19) VCF-style: chr19-7184651-G-GGAGAGA.
Other names: c.653-23TC[13] (NM_001079817.3); c.653-9_653-4dup6 (NM_000208.3).
Identifiers: ClinVar variation 1336488 (VCV001336488.9), dbSNP rs3835070, ClinGen allele CA9136043.